The following is an entry in ClinVar:

NM_001369.3(DNAH5):c.3466del (p.Ile1156fs)

Genes: DNAH5 (dynein axonemal heavy chain 5; minus strand), DNAH5-AS1 (DNAH5 antisense RNA 1; plus strand). Cytogenetic location: 5p15.2.
Variant type: Deletion.
Coding change: c.3466del on transcript NM_001369.3 (MANE Select); coding-DNA position 3466, one base deleted (A; older notation c.3466delA).
Protein change: p.Ile1156fs; shifts the reading frame from isoleucine 1156.
Molecular consequence: frameshift variant.
Genome position (GRCh38, 1-based): chr5:13,871,696, T deleted on the plus strand (A on the coding strand, the reverse complement: DNAH5 is on the minus strand). VCF-style (leftmost placement, unchanged base first): chr5-13871695-AT-A. GRCh37 (hg19) VCF-style: chr5-13871804-AT-A.
Other names: c.3466delA (NM_001369.2); short protein forms I1156fs.
Identifiers: ClinVar variation 525379 (VCV000525379.10), dbSNP rs775866092, ClinGen allele CA3204256.
Genomic context (GRCh38, chr5:13,871,695, plus strand): 5'-AAATAGAGAATCTGGGACTCAAATTCAGAAAGCAAGGGGCTCTGTGTAATAAATGTCTTA[AT>A]GGCTTCTTCTTTTCCCTTTTGCCAAATGTGATTGTAGCGTTTGAAGCAATCCATGGATGT-3'

ClinVar aggregate classification (germline): Pathogenic/Likely pathogenic. Review status: criteria provided, multiple submitters, no conflicts (2 of 4 stars). 4 submissions from 4 submitters: Pathogenic (2); Likely pathogenic (2). Last evaluated 2024-09-28.

Conditions:
Primary ciliary dyskinesia. Also called: Ciliary dyskinesia. Identifiers: Orphanet 244, MedGen C0008780, MONDO:0016575, HP:0012265.
Primary ciliary dyskinesia 3. Identifiers: Orphanet 244, MedGen C1837618, MONDO:0012085, OMIM 608644.

Allele frequency attached by ClinVar (database versions not stated): gnomAD exomes below 0.00001; ExAC 0.00001; ESP Exome Variant Server 0.00008.

Submissions (4):

Natera, Inc.
Classification: Likely pathogenic for Primary ciliary dyskinesia. Last evaluated: 2024-09-28. Review status: criteria provided, single submitter. Criteria: Natera Variant Classification Schema (03/2026). Collection method: clinical testing. Allele origin: germline.
Comment: The c.3466delA variant in DNAH5 is a frameshift variant predicted to shift the reading frame beginning at codon 1156 and leads to a stop codon 24 codons downstream. This variant is expected to result in nonsense mediated decay, truncation, or a dysfunctional protein product. This variant is rare in the general population with a frequency below the threshold expected for the associated phenotype(s). Given the available evidence, this variant is classified as Likely Pathogenic.

Labcorp Genetics (formerly Invitae), Labcorp
Classification: Pathogenic for Primary ciliary dyskinesia. Last evaluated: 2024-07-25. Review status: criteria provided, single submitter. Criteria: Invitae Variant Classification Sherloc (09022015). Collection method: clinical testing. Allele origin: germline.
Comment: This sequence change creates a premature translational stop signal (p.Ile1156Leufs*24) in the DNAH5 gene. It is expected to result in an absent or disrupted protein product. Loss-of-function variants in DNAH5 are known to be pathogenic (PMID: 11788826, 16627867). This variant is present in population databases (rs775866092, gnomAD 0.0009%). This variant has not been reported in the literature in individuals affected with DNAH5-related conditions. ClinVar contains an entry for this variant (Variation ID: 525379). Algorithms developed to predict the effect of sequence changes on RNA splicing suggest that this variant may disrupt the consensus splice site. For these reasons, this variant has been classified as Pathogenic.

Fulgent Genetics
Classification: Likely pathogenic for Primary ciliary dyskinesia 3. Last evaluated: 2024-06-14. Review status: criteria provided, single submitter. Criteria: ACMG Guidelines, 2015. Collection method: clinical testing. Allele origin: germline.

Myriad Genetics, Inc.
Classification: Pathogenic for Primary ciliary dyskinesia 3. Last evaluated: 2024-05-14. Review status: criteria provided, single submitter. Criteria: Myriad Autosomal Dominant, Autosomal Recessive and X-Linked Classification Criteria (2023). Collection method: clinical testing. Allele origin: unknown.
Comment: NM_001369.2(DNAH5):c.3466delA(I1156Lfs*24) is expected to be pathogenic in the context of primary ciliary dyskinesia, DNAH5-related. This variant is predicted to lead to an abnormal or absent protein product due to the creation of a premature termination codon in DNAH5, a gene where loss-of-function variants are known to be pathogenic. Please note: this variant was assessed in the context of healthy population screening.

Literature cited by the submitters: PubMed 11788826 (cited by Labcorp Genetics (formerly Invitae), Labcorp); PubMed 16627867 (cited by Labcorp Genetics (formerly Invitae), Labcorp).